The following is an entry in ClinVar:

ClinVar aggregate classification (germline): Uncertain significance (1 of 4 stars; one submission).

Allele frequency attached by ClinVar (database versions not stated): gnomAD exomes below 0.00001.
gnomAD v4.1: 2 of 1,605,866 alleles (0.00012%); highest among the groups gnomAD compares: Admixed American, 0.0034%; no homozygotes.

Submission:

Labcorp Genetics (formerly Invitae), Labcorp
Classification: Uncertain significance. Last evaluated: 2022-11-01. Review status: criteria provided, single submitter. Criteria: Invitae Variant Classification Sherloc (09022015). Collection method: clinical testing. Allele origin: germline.
Comment: In summary, the available evidence is currently insufficient to determine the role of this variant in disease. Therefore, it has been classified as a Variant of Uncertain Significance. Algorithms developed to predict the effect of missense changes on protein structure and function are either unavailable or do not agree on the potential impact of this missense change (SIFT: "Tolerated"; PolyPhen-2: "Possibly Damaging"; Align-GVGD: "Class C0"). ClinVar contains an entry for this variant (Variation ID: 1380409). This variant has not been reported in the literature in individuals affected with VAV1-related conditions. This variant is not present in population databases (gnomAD no frequency). This sequence change replaces tyrosine, which is neutral and polar, with histidine, which is basic and polar, at codon 507 of the VAV1 protein (p.Tyr507His).

NM_005428.4(VAV1):c.1519T>C (p.Tyr507His)

Gene: VAV1 (vav guanine nucleotide exchange factor 1; plus strand). Cytogenetic location: 19p13.3.
Variant type: single nucleotide variant.
Coding change: c.1519T>C on transcript NM_005428.4 (MANE Select); coding-DNA position 1519, T replaced by C.
Protein change: p.Tyr507His; replaces tyrosine 507 with histidine.
Molecular consequence: missense variant.
Genome position (GRCh38, 1-based): chr19:6,833,194, T>C. VCF-style: chr19-6833194-T-C. GRCh37 (hg19) VCF-style: chr19-6833205-T-C.
Other names: c.1519T>C, p.Tyr507His (NM_001258206.2); c.1423T>C, p.Tyr475His (NM_001258207.2); short protein forms Y475H, Y507H.
Identifiers: ClinVar variation 1380409 (VCV001380409.6), dbSNP rs2144793221, ClinGen allele CA403627251.